The following is an entry in ClinVar:

ClinVar aggregate classification (germline): Uncertain significance. Review status: criteria provided, multiple submitters, no conflicts (2 of 4 stars). 3 submissions from 3 submitters: Uncertain significance (3). Last evaluated 2025-12-14.

Conditions:
Hereditary cancer-predisposing syndrome. Also called: Hereditary neoplastic syndrome; Tumor predisposition; Neoplastic Syndromes, Hereditary; Hereditary Cancer Syndrome. Identifiers: Orphanet 140162, MedGen C0027672, MeSH D009386, MONDO:0015356.
Global developmental delay - lung cysts - overgrowth - Wilms tumor syndrome. Also called: GLOW Syndrome; GLOBAL DEVELOPMENTAL DELAY, LUNG CYSTS, OVERGROWTH, AND WILMS TUMOR. Identifiers: Orphanet 404476, MedGen C4748924, MONDO:0018445, OMIM 618272.
DICER1-related tumor predisposition. Also called: DICER1-related pleuropulmonary blastoma cancer predisposition syndrome; DICER1 syndrome. Identifiers: Orphanet 284343, MedGen C3839822, MONDO:0100216.

gnomAD v4.1: 2 of 1,611,942 alleles (0.00012%); highest among the groups gnomAD compares: Non-Finnish European, 0.00017%; no homozygotes.

Submissions (3):

Labcorp Genetics (formerly Invitae), Labcorp
Classification: Uncertain significance for DICER1-related tumor predisposition. Last evaluated: 2025-12-14. Review status: criteria provided, single submitter. Criteria: Invitae Variant Classification Sherloc (09022015). Collection method: clinical testing. Allele origin: germline.
Comment: This sequence change replaces proline, which is neutral and non-polar, with alanine, which is neutral and non-polar, at codon 197 of the DICER1 protein (p.Pro197Ala). This variant is not present in population databases (gnomAD no frequency). This variant has not been reported in the literature in individuals affected with DICER1-related conditions. ClinVar contains an entry for this variant (Variation ID: 1482546). Invitae Evidence Modeling of protein sequence and biophysical properties (such as structural, functional, and spatial information, amino acid conservation, physicochemical variation, residue mobility, and thermodynamic stability) indicates that this missense variant is not expected to disrupt DICER1 protein function with a negative predictive value of 95%. In summary, the available evidence is currently insufficient to determine the role of this variant in disease. Therefore, it has been classified as a Variant of Uncertain Significance.

Baylor Genetics
Classification: Uncertain significance for Global developmental delay - lung cysts - overgrowth - Wilms tumor syndrome. Last evaluated: 2024-01-24. Review status: criteria provided, single submitter. Criteria: ACMG Guidelines, 2015. Collection method: clinical testing. Allele origin: unknown.

Ambry Genetics
Classification: Uncertain significance for Hereditary cancer-predisposing syndrome. Last evaluated: 2023-08-08. Review status: criteria provided, single submitter. Criteria: Ambry Variant Classification Scheme 2023. Collection method: clinical testing. Allele origin: germline.
Comment: The p.P197A variant (also known as c.589C>G), located in coding exon 5 of the DICER1 gene, results from a C to G substitution at nucleotide position 589. The proline at codon 197 is replaced by alanine, an amino acid with highly similar properties. This amino acid position is well conserved in available vertebrate species. In addition, this alteration is predicted to be tolerated by in silico analysis. Since supporting evidence is limited at this time, the clinical significance of this alteration remains unclear.

NM_177438.3(DICER1):c.589C>G (p.Pro197Ala)

Gene: DICER1 (dicer 1, ribonuclease III; minus strand). Cytogenetic location: 14q32.13.
Variant type: single nucleotide variant.
Coding change: c.589C>G on transcript NM_177438.3 (MANE Select); coding-DNA position 589, C replaced by G.
Protein change: p.Pro197Ala; replaces proline 197 with alanine.
Molecular consequence: missense variant.
Genome position (GRCh38, 1-based): chr14:95,129,617, G>C on the plus strand (C>G on the coding strand, the complement: DICER1 is on the minus strand). VCF-style: chr14-95129617-G-C. GRCh37 (hg19) VCF-style: chr14-95595954-G-C.
Other names: c.589C>G, p.Pro197Ala (NM_001291628.2, NM_030621.4, NM_001195573.1 and 1 more transcripts); short protein forms P197A.
Identifiers: ClinVar variation 1482546 (VCV001482546.13), dbSNP rs375689793, ClinGen allele CA390888273.